The following is an entry in ClinVar:

ClinVar aggregate classification (germline): Uncertain significance. Review status: criteria provided, multiple submitters, no conflicts (2 of 4 stars). 5 submissions from 5 submitters: Uncertain significance (5). Last evaluated 2026-05-31.

Conditions:
Cardiovascular phenotype. Identifiers: MedGen CN230736.
TTN-related disorder. Also called: TTN-related condition; TTN-related disease; TTN-related disorders.

Allele frequency attached by ClinVar (database versions not stated): TOPMed 0.00008.
gnomAD v4.1: 124 of 1,613,966 alleles (0.0077%); highest among the groups gnomAD compares: Non-Finnish European, 0.01%; no homozygotes.

Submissions (5):

PreventionGenetics, part of Exact Sciences
Classification: Uncertain significance for TTN-related condition. Last evaluated: 2026-05-31. Review status: criteria provided, single submitter. Criteria: ACMG Guidelines, 2015. Collection method: clinical testing. Allele origin: germline.
Comment: The TTN c.6913G>A variant is predicted to result in the amino acid substitution p.Glu2305Lys. To our knowledge, this variant has not been reported in the literature. This variant is reported in 0.0088% of alleles in individuals of European (non-Finnish) descent in gnomAD. At this time, the clinical significance of this variant is uncertain due to the absence of conclusive functional and genetic evidence.

Mayo Clinic Laboratories, Mayo Clinic
Classification: Uncertain significance. Last evaluated: 2025-04-09. Review status: criteria provided, single submitter. Criteria: ACMG Guidelines, 2015. Collection method: clinical testing. Allele origin: germline. Observed: 1 variant allele.
Comment: BP1

Revvity Omics, Revvity
Classification: Uncertain significance. Last evaluated: 2024-08-21. Review status: criteria provided, single submitter. Criteria: ACMG Guidelines, 2015. Collection method: clinical testing. Allele origin: germline.

Ambry Genetics
Classification: Uncertain significance for Cardiovascular phenotype. Last evaluated: 2019-11-01. Review status: criteria provided, single submitter. Criteria: Ambry Variant Classification Scheme 2023. Collection method: clinical testing. Allele origin: germline.
Comment: The p.E2259K variant (also known as c.6775G>A), located in coding exon 28 of the TTN gene, results from a G to A substitution at nucleotide position 6775. The glutamic acid at codon 2259 is replaced by lysine, an amino acid with similar properties. This amino acid position is well conserved in available vertebrate species. In addition, the in silico prediction for this alteration is inconclusive. Since supporting evidence is limited at this time, the clinical significance of this alteration remains unclear.

Laboratory for Molecular Medicine, Mass General Brigham Personalized Medicine
Classification: Uncertain significance. Last evaluated: 2013-07-29. Review status: criteria provided, single submitter. Criteria: LMM Criteria. Collection method: clinical testing. Allele origin: germline. Observed: 1 variant allele.
Comment: The Glu2305Lys variant in TTN has not been reported in individuals with cardiomy opathy or in large population studies. Computational analyses (biochemical amino acid properties, conservation, AlignGVGD, PolyPhen2, and SIFT) suggest that thi s variant may impact the protein, though this information is not predictive enou gh to determine pathogenicity. Additional information is needed to fully assess the clinical significance of this variant.

NM_001267550.2(TTN):c.6913G>A (p.Glu2305Lys)

Genes: TTN (titin; minus strand), LOC126806433 (BRD4-independent group 4 enhancer GRCh37_chr2:179638309-179639508; plus strand). Cytogenetic location: 2q31.2.
Variant type: single nucleotide variant.
Coding change: c.6913G>A on transcript NM_001267550.2 (MANE Select); coding-DNA position 6913, G replaced by A.
Protein change: p.Glu2305Lys; replaces glutamic acid 2305 with lysine.
Molecular consequence: missense variant.
Genome position (GRCh38, 1-based): chr2:178,774,351, C>T on the plus strand (G>A on the coding strand, the complement: TTN is on the minus strand). VCF-style: chr2-178774351-C-T. GRCh37 (hg19) VCF-style: chr2-179639078-C-T.
Other names: c.6913G>A, p.Glu2305Lys (NM_133378.4, NM_001256850.1, NM_133379.5); c.6775G>A, p.Glu2259Lys (NM_003319.4, NM_133432.3, NM_133437.4); short protein forms E2305K, E2259K.
Identifiers: ClinVar variation 166311 (VCV000166311.10), dbSNP rs367761468, ClinGen allele CA179282.
Genomic context (GRCh38, chr2:178,774,351, plus strand): 5'-CCGTGAGGTTCTGACGTCCACGACGAGATGTAATTGTATATTTGCCATTGGATTTAAGCT[C>T]CACATCATTATGATACCATTTTCCTTCTATATTTTCTGGGGATACAATGCACTCTAATTC-3'
Protein context (NP_001254479.2, residues 2295-2315): IEGKWYHNDV[Glu2305Lys]LKSNGKYTIT